The following is an entry in ClinVar:

NM_000475.5(NR0B1):c.382C>G (p.Leu128Val)

Gene: NR0B1 (nuclear receptor subfamily 0 group B member 1; minus strand). Cytogenetic location: Xp21.2.
Variant type: single nucleotide variant.
Coding change: c.382C>G on transcript NM_000475.5 (MANE Select); coding-DNA position 382, C replaced by G.
Protein change: p.Leu128Val; replaces leucine 128 with valine.
Molecular consequence: missense variant.
Genome position (GRCh38, 1-based): chrX:30,308,982, G>C on the plus strand (C>G on the coding strand, the complement: NR0B1 is on the minus strand). VCF-style: chrX-30308982-G-C. GRCh37 (hg19) VCF-style: chrX-30327099-G-C.
Other names: short protein forms L128V.
Identifiers: ClinVar variation 3749363 (VCV003749363.2).

ClinVar aggregate classification (germline): Uncertain significance (1 of 4 stars; one submission).

Conditions:
Congenital adrenal hypoplasia, X-linked (AHC). Also called: Isolated X-Linked Adrenal Hypoplasia Congenita; X-linked AHC; X-Linked Adrenal Hypoplasia Congenita; ADRENAL HYPOPLASIA, CONGENITAL, WITH HYPOGONADOTROPIC HYPOGONADISM. Identifiers: Orphanet 95702, MedGen C0342482, MONDO:0010264, OMIM 300200. Disease mechanism: loss of function.
46,XY sex reversal 2. Also called: NR0B1-Related 46,XY CGD; NR0B1-related 46,XY complete gonadal dysgenesis; Dosage-sensitive sex reversal; 46,XY SEX REVERSAL, DAX1-RELATED; 46XY sex reversal 2, dosage-sensitive. Identifiers: MedGen C1848296, MONDO:0010226, OMIM 300018.

gnomAD v4.1: 1 of 1,210,927 alleles (0.000083%); highest among the groups gnomAD compares: Non-Finnish European, 0.00011%; no homozygotes.

Submission:

Labcorp Genetics (formerly Invitae), Labcorp
Classification: Uncertain significance for Congenital adrenal hypoplasia, X-linked; 46,XY sex reversal 2. Last evaluated: 2024-03-23. Review status: criteria provided, single submitter. Criteria: Invitae Variant Classification Sherloc (09022015). Collection method: clinical testing. Allele origin: germline.
Comment: This sequence change replaces leucine, which is neutral and non-polar, with valine, which is neutral and non-polar, at codon 128 of the NR0B1 protein (p.Leu128Val). This variant is not present in population databases (gnomAD no frequency). This variant has not been reported in the literature in individuals affected with NR0B1-related conditions. Advanced modeling of protein sequence and biophysical properties (such as structural, functional, and spatial information, amino acid conservation, physicochemical variation, residue mobility, and thermodynamic stability) performed at Invitae indicates that this missense variant is not expected to disrupt NR0B1 protein function with a negative predictive value of 80%. In summary, the available evidence is currently insufficient to determine the role of this variant in disease. Therefore, it has been classified as a Variant of Uncertain Significance.